The following is an entry in ClinVar:

NM_006158.5(NEFL):c.1237T>C (p.Ser413Pro)

Gene: NEFL (neurofilament light chain; minus strand). Cytogenetic location: 8p21.2.
Variant type: single nucleotide variant.
Coding change: c.1237T>C on transcript NM_006158.5 (MANE Select); coding-DNA position 1237, T replaced by C.
Protein change: p.Ser413Pro; replaces serine 413 with proline.
Molecular consequence: missense variant.
Genome position (GRCh38, 1-based): chr8:24,953,728, A>G on the plus strand (T>C on the coding strand, the complement: NEFL is on the minus strand). VCF-style: chr8-24953728-A-G. GRCh37 (hg19) VCF-style: chr8-24811242-A-G.
Other names: short protein forms S413P.
Identifiers: ClinVar variation 4774255 (VCV004774255.1).

ClinVar aggregate classification (germline): Uncertain significance (1 of 4 stars; one submission).

Conditions:
Charcot-Marie-Tooth disease type 2E (CMT2E). Also called: CHARCOT-MARIE-TOOTH DISEASE, AXONAL, TYPE 2E; CHARCOT-MARIE-TOOTH NEUROPATHY, TYPE 2E. Identifiers: Orphanet 99939, MedGen C1843225, MONDO:0011894, OMIM 607684.

Submission:

Labcorp Genetics (formerly Invitae), Labcorp
Classification: Uncertain significance for Charcot-Marie-Tooth disease type 2E. Last evaluated: 2025-06-03. Review status: criteria provided, single submitter. Criteria: Invitae Variant Classification Sherloc (09022015). Collection method: clinical testing. Allele origin: germline.
Comment: This sequence change replaces serine, which is neutral and polar, with proline, which is neutral and non-polar, at codon 413 of the NEFL protein (p.Ser413Pro). This variant is not present in population databases (gnomAD no frequency). This variant has not been reported in the literature in individuals affected with NEFL-related conditions. Invitae Evidence Modeling of protein sequence and biophysical properties (such as structural, functional, and spatial information, amino acid conservation, physicochemical variation, residue mobility, and thermodynamic stability) indicates that this missense variant is not expected to disrupt NEFL protein function with a negative predictive value of 80%. In summary, the available evidence is currently insufficient to determine the role of this variant in disease. Therefore, it has been classified as a Variant of Uncertain Significance.